The following is an entry in ClinVar:

ClinVar aggregate classification (germline): Uncertain significance (1 of 4 stars; one submission).

Allele frequency attached by ClinVar (database versions not stated): gnomAD exomes below 0.00001; TOPMed below 0.00001.
gnomAD v4.1: 7 of 1,614,122 alleles (0.00043%); highest among the groups gnomAD compares: East Asian, 0.0022%; no homozygotes.

Submission:

Labcorp Genetics (formerly Invitae), Labcorp
Classification: Uncertain significance. Last evaluated: 2022-05-28. Review status: criteria provided, single submitter. Criteria: Invitae Variant Classification Sherloc (09022015). Collection method: clinical testing. Allele origin: germline.
Comment: In summary, the available evidence is currently insufficient to determine the role of this variant in disease. Therefore, it has been classified as a Variant of Uncertain Significance. Algorithms developed to predict the effect of missense changes on protein structure and function (SIFT, PolyPhen-2, Align-GVGD) all suggest that this variant is likely to be tolerated. This variant has not been reported in the literature in individuals affected with COX6B1-related conditions. This variant is present in population databases (no rsID available, gnomAD 0.0009%). This sequence change replaces methionine, which is neutral and non-polar, with valine, which is neutral and non-polar, at codon 44 of the COX6B1 protein (p.Met44Val).

NM_001863.5(COX6B1):c.130A>G (p.Met44Val)

Gene: COX6B1 (cytochrome c oxidase subunit 6B1; plus strand). Cytogenetic location: 19q13.12.
Variant type: single nucleotide variant.
Coding change: c.130A>G on transcript NM_001863.5 (MANE Select); coding-DNA position 130, A replaced by G.
Protein change: p.Met44Val; replaces methionine 44 with valine.
Molecular consequence: missense variant.
Genome position (GRCh38, 1-based): chr19:35,654,594, A>G. VCF-style: chr19-35654594-A-G. GRCh37 (hg19) VCF-style: chr19-36145496-A-G.
Other names: short protein forms M44V.
Identifiers: ClinVar variation 2000184 (VCV002000184.3), dbSNP rs1327981442, ClinGen allele CA405360564.
Genomic context (GRCh38, chr19:35,654,594, plus strand): 5'-TCTTGATCTGGGCTGACTTGAACCCCTTTCTTCACAGACTTCCACCGCTGTCAGAAGGCA[A>G]TGACCGCTAAAGGAGGCGATATCTCTGTGTGCGAATGGTACCAGCGTGTGTACCAGTCCC-3'
Protein context (NP_001854.1, residues 34-54): YLDFHRCQKA[Met44Val]TAKGGDISVC